The following is an entry in ClinVar:

ClinVar aggregate classification (germline): Benign. Review status: criteria provided, multiple submitters, no conflicts (2 of 4 stars). 4 submissions from 4 submitters: Benign (4). Last evaluated 2026-01-27.

Conditions:
Cataract 13 with adult I phenotype. Identifiers: Orphanet 91492, MedGen C3805373, MONDO:0007289, OMIM 116700.
Blood group, I system (Ii). Identifiers: MedGen C0020717, OMIM 110800.

Allele frequency attached by ClinVar (database versions not stated): 1000 Genomes Project 0.05391; 1000 Genomes Project 30x 0.05418; TOPMed 0.08941; gnomAD 0.09838 and 0.10090; gnomAD exomes 0.09968; ExAC 0.10035; ESP Exome Variant Server 0.10395.
gnomAD v4.1: 193,576 of 1,613,714 alleles (12%); highest among the groups gnomAD compares: Non-Finnish European, 13%; 12,931 homozygotes.

Submissions (5):

Labcorp Genetics (formerly Invitae), Labcorp
Classification: Benign for Cataract 13 with adult I phenotype. Last evaluated: 2026-01-27. Review status: criteria provided, single submitter. Criteria: Invitae Variant Classification Sherloc (09022015). Collection method: clinical testing. Allele origin: germline.

GeneDx
Classification: Benign. Last evaluated: 2018-10-09. Review status: criteria provided, single submitter. Criteria: GeneDx Variant Classification Process June 2021. Collection method: clinical testing. Allele origin: germline. Affected: yes.

Illumina Laboratory Services, Illumina
Classification: Benign for Blood group, I system. Last evaluated: 2018-01-12. Review status: criteria provided, single submitter. Criteria: ICSL Variant Classification Criteria 13 December 2019. Collection method: clinical testing. Allele origin: germline.
Comment: This variant was observed in the ICSL laboratory as part of a predisposition screen in an ostensibly healthy population. It had not been previously curated by ICSL or reported in the Human Gene Mutation Database (HGMD: prior to June 1st, 2018), and was therefore a candidate for classification through an automated scoring system. Utilizing variant allele frequency, disease prevalence and penetrance estimates, and inheritance mode, an automated score was calculated to assess if this variant is too frequent to cause the disease. Based on the score and internal cut-off values, a variant classified as benign is not then subjected to further curation. The score for this variant resulted in a classification of benign for this disease.

PreventionGenetics, part of Exact Sciences
Classification: Benign. Review status: criteria provided, single submitter. Criteria: ACMG Guidelines, 2015. Collection method: clinical testing. Allele origin: germline.

Dr. Peter K. Rogan Lab, Western University
No classification provided (evidence only). Condition: Colorectal cancer. Review status: no classification provided. Collection method: in vitro. Allele origin: not applicable. Functional consequence: retained intron. Not counted in ClinVar's aggregate classification.

NM_001491.3(GCNT2):c.216C>T (p.Cys72=)

Gene: GCNT2 (glucosaminyl (N-acetyl) transferase 2 (I blood group); plus strand). Cytogenetic location: 6p24.3.
Variant type: single nucleotide variant.
Coding change: c.216C>T on transcript NM_001491.3 (MANE Plus Clinical); coding-DNA position 216, C replaced by T.
Protein change: p.Cys72=; no amino-acid change (cysteine 72 retained).
Molecular consequence: synonymous variant. On other transcripts: intron variant (2).
Genome position (GRCh38, 1-based): chr6:10,556,639, C>T. VCF-style: chr6-10556639-C-T. GRCh37 (hg19) VCF-style: chr6-10556872-C-T.
Other names: c.925+26803C>T (NM_145649.5, NM_001374747.1).
Identifiers: ClinVar variation 258157 (VCV000258157.16), dbSNP rs2230906, ClinGen allele CA3631959.